The following is an entry in ClinVar:

ClinVar aggregate classification (germline): Uncertain significance (1 of 4 stars; one submission).

Conditions:
Familial adenomatous polyposis 1 (FAP1). Also called: FAMILIAL ADENOMATOUS POLYPOSIS 1, ATTENUATED; POLYPOSIS, ADENOMATOUS INTESTINAL. Identifiers: MedGen C2713442, MONDO:0021056, OMIM 175100. Disease mechanism: loss of function.

Submission:

Labcorp Genetics (formerly Invitae), Labcorp
Classification: Uncertain significance for Familial adenomatous polyposis 1. Last evaluated: 2022-02-19. Review status: criteria provided, single submitter. Criteria: Invitae Variant Classification Sherloc (09022015). Collection method: clinical testing. Allele origin: germline.
Comment: In summary, the available evidence is currently insufficient to determine the role of this variant in disease. Therefore, it has been classified as a Variant of Uncertain Significance. Experimental studies and prediction algorithms are not available or were not evaluated, and the functional significance of this variant is currently unknown. This variant has not been reported in the literature in individuals affected with APC-related conditions. This variant is not present in population databases (gnomAD no frequency). This variant occurs in a non-coding region of the APC gene. It does not change the encoded amino acid sequence of the APC protein.

NM_001127511.3(APC):c.-106G>C

Gene: APC (APC regulator of Wnt signaling pathway; plus strand). Cytogenetic location: 5q22.2.
Variant type: single nucleotide variant.
Coding change: c.-106G>C on transcript NM_001127511.3; 106 bases upstream of the start codon, G replaced by C.
Molecular consequence: 5 prime UTR variant. On other transcripts: non-coding transcript variant (2).
Genome position (GRCh38, 1-based): chr5:112,707,612, G>C. VCF-style: chr5-112707612-G-C. GRCh37 (hg19) VCF-style: chr5-112043309-G-C.
Other names: c.-289G>C (NM_001354895.2, NM_001407447.1, NM_001407452.1 and 3 more transcripts); c.-106G>C (NM_001354897.2, NM_001354902.2, NM_001407446.1); c.-56G>C (NM_001407448.1, NM_001407450.1, NM_001407457.1 and 1 more transcripts); c.-80G>C (NM_001407453.1); c.-1324G>C (NM_001407470.1, NM_001407472.1).
Identifiers: ClinVar variation 2175465 (VCV002175465.3), dbSNP rs2149629791, ClinGen allele CA2580072302.